The following is an entry in ClinVar:

ClinVar aggregate classification (germline): Likely pathogenic (0 of 4 stars; one submission).

Conditions:
Diastrophic dysplasia (DTD). Also called: Diastrophic dwarfism. Identifiers: Orphanet 628, MedGen C0220726, MONDO:0009107, OMIM 222600.

Submission:

Juha Muilu Group; Institute for Molecular Medicine Finland (FIMM)
Classification: Likely pathogenic for Diastrophic dysplasia. Review status: no assertion criteria provided. Collection method: not provided. Allele origin: unknown.
Comment: FinDis database variant: This variant was not found or characterized by our laboratory, data were collected from public sources: see reference
ClinVar note: Converted during submission from probable-pathogenic to Likely pathogenic.

NM_000112.4(SLC26A2):c.255del (p.Asn87fs)

Gene: SLC26A2 (solute carrier family 26 member 2; plus strand). Cytogenetic location: 5q32.
Variant type: Deletion.
Coding change: c.255del on transcript NM_000112.4 (MANE Select); coding-DNA position 255, one base deleted (C; older notation c.255delC).
Protein change: p.Asn87fs; shifts the reading frame from asparagine 87.
Molecular consequence: frameshift variant.
Genome position (GRCh38, 1-based): chr5:149,977,907, C deleted; the last of 2 consecutive C bases (chr5:149,977,906-149,977,907); deleting either gives the same sequence. VCF-style (leftmost placement, unchanged base first): chr5-149977905-GC-G. GRCh37 (hg19) VCF-style: chr5-149357468-GC-G.
Other names: c.255delC (NM_000112.3); short protein forms N87fs.
Identifiers: ClinVar variation 56021 (VCV000056021.2), dbSNP rs386833502, ClinGen allele CA263259.